The following is an entry in ClinVar:

ClinVar aggregate classification (germline): Uncertain significance (1 of 4 stars; one submission).

Conditions:
PHGDH deficiency. Identifiers: Orphanet 79351, MedGen C1866174, MONDO:0011152, OMIM 601815.

Submission:

Labcorp Genetics (formerly Invitae), Labcorp
Classification: Uncertain significance for PHGDH deficiency. Last evaluated: 2022-09-01. Review status: criteria provided, single submitter. Criteria: Invitae Variant Classification Sherloc (09022015). Collection method: clinical testing. Allele origin: germline.
Comment: In summary, the available evidence is currently insufficient to determine the role of this variant in disease. Therefore, it has been classified as a Variant of Uncertain Significance. Experimental studies and prediction algorithms are not available or were not evaluated, and the functional significance of this variant is currently unknown. This variant has not been reported in the literature in individuals affected with PHGDH-related conditions. This variant results in a copy number gain of the genomic region encompassing exon(s) 6-12 of the PHGDH gene. This region includes the termination codon of the gene. This copy number gain extends beyond the assayed region for this gene and therefore may encompass additional genes. As the precise location of this event is unknown, it may be in tandem or it may be located elsewhere in the genome.

NC_000001.10:g.(?_120277237)_(120529725_?)dup

Genes: HMGCS2 (3-hydroxy-3-methylglutaryl-CoA synthase 2; minus strand), ADAM30 (ADAM metallopeptidase domain 30; minus strand), REG4 (regenerating family member 4; minus strand), NOTCH2 (notch receptor 2; minus strand), PHGDH (phosphoglycerate dehydrogenase; plus strand). Cytogenetic location: 1p12.
Variant type: Duplication.
Identifiers: ClinVar variation 2425621 (VCV002425621.4).